The following is an entry in ClinVar:

NM_032043.3(BRIP1):c.657T>C (p.Cys219=)

Gene: BRIP1 (BRCA1 interacting DNA helicase 1; minus strand). Cytogenetic location: 17q23.2.
Variant type: single nucleotide variant.
Coding change: c.657T>C on transcript NM_032043.3 (MANE Select); coding-DNA position 657, T replaced by C.
Protein change: p.Cys219=; no amino-acid change (cysteine 219 retained).
Molecular consequence: synonymous variant.
Genome position (GRCh38, 1-based): chr17:61,808,728, A>G on the plus strand (T>C on the coding strand, the complement: BRIP1 is on the minus strand). VCF-style: chr17-61808728-A-G. GRCh37 (hg19) VCF-style: chr17-59886089-A-G.
Identifiers: ClinVar variation 3379360 (VCV003379360.2).
Genomic context (GRCh38, chr17:61,808,728, plus strand): 5'-CCCTGTATGATCCTTCTTAATGGTATTCGATGACTCTTGACTGTTTCCTTGTTTAGTAGA[A>G]CAACAGCACCTAGAACAGTGGCCAGGGGGCTGTAAGAAAGGAAAGAAACGATAACTAATA-3'
Protein context (NP_114432.2, residues 209-229): KPPGHCSRCC[Cys219=]STKQGNSQES

ClinVar aggregate classification (germline): Benign/Likely benign. Review status: criteria provided, multiple submitters, no conflicts (2 of 4 stars). 2 submissions from 2 submitters: Benign (1); Likely benign (1). Last evaluated 2025-03-02.

Conditions:
Fanconi anemia complementation group J. Also called: BRIP1-Related Fanconi Anemia. Identifiers: Orphanet 84, MedGen C1836860, MONDO:0012187, OMIM 609054.
Familial cancer of breast. Also called: hereditary breast carcinoma; BREAST CANCER, FAMILIAL; Hereditary breast cancer. Identifiers: Orphanet 227535, MedGen C0346153, MONDO:0016419, OMIM 114480. Disease mechanism: loss of function.

Submissions (2):

Labcorp Genetics (formerly Invitae), Labcorp
Classification: Likely benign for Familial cancer of breast; Fanconi anemia complementation group J. Last evaluated: 2025-03-02. Review status: criteria provided, single submitter. Criteria: Invitae Variant Classification Sherloc (09022015). Collection method: clinical testing. Allele origin: germline.

Myriad Genetics, Inc.
Classification: Benign for Familial cancer of breast. Last evaluated: 2024-08-22. Review status: criteria provided, single submitter. Criteria: Myriad Autosomal Dominant, Autosomal Recessive and X-Linked Classification Criteria (2023). Collection method: clinical testing. Allele origin: unknown.
Comment: This variant is considered benign. This variant is a silent/synonymous amino acid change and it is not expected to impact splicing.